The following is an entry in ClinVar:

NM_001376.5(DYNC1H1):c.8786C>G (p.Pro2929Arg)

Gene: DYNC1H1 (dynein cytoplasmic 1 heavy chain 1; plus strand). Cytogenetic location: 14q32.31.
Variant type: single nucleotide variant.
Coding change: c.8786C>G on transcript NM_001376.5 (MANE Select); coding-DNA position 8786, C replaced by G.
Protein change: p.Pro2929Arg; replaces proline 2929 with arginine.
Molecular consequence: missense variant.
Genome position (GRCh38, 1-based): chr14:102,027,188, C>G. VCF-style: chr14-102027188-C-G. GRCh37 (hg19) VCF-style: chr14-102493525-C-G.
Other names: short protein forms P2929R.
Identifiers: ClinVar variation 2580102 (VCV002580102.4), dbSNP rs2503803387, ClinGen allele CA391009698.

ClinVar aggregate classification (germline): Uncertain significance. Review status: criteria provided, multiple submitters, no conflicts (2 of 4 stars). 2 submissions from 2 submitters: Uncertain significance (2). Last evaluated 2025-04-28.

Conditions:
Charcot-Marie-Tooth disease axonal type 2O. Also called: Charcot-Marie-Tooth disease, axonal, type 20; CHARCOT-MARIE-TOOTH NEUROPATHY, AXONAL, TYPE 2O; CHARCOT-MARIE-TOOTH DISEASE, AXONAL, AUTOSOMAL DOMINANT, TYPE 2O; Charcot-Marie-Tooth Neuropathy Type 2O. Identifiers: Orphanet 284232, MedGen C3280220, MONDO:0013644, OMIM 614228.

Submissions (2):

Labcorp Genetics (formerly Invitae), Labcorp
Classification: Uncertain significance for Charcot-Marie-Tooth disease axonal type 2O. Last evaluated: 2025-04-28. Review status: criteria provided, single submitter. Criteria: Invitae Variant Classification Sherloc (09022015). Collection method: clinical testing. Allele origin: germline.
Comment: This sequence change replaces proline, which is neutral and non-polar, with arginine, which is basic and polar, at codon 2929 of the DYNC1H1 protein (p.Pro2929Arg). This variant is not present in population databases (gnomAD no frequency). This variant has not been reported in the literature in individuals affected with DYNC1H1-related conditions. ClinVar contains an entry for this variant (Variation ID: 2580102). Invitae Evidence Modeling of protein sequence and biophysical properties (such as structural, functional, and spatial information, amino acid conservation, physicochemical variation, residue mobility, and thermodynamic stability) indicates that this missense variant is expected to disrupt DYNC1H1 protein function with a positive predictive value of 95%. In summary, the available evidence is currently insufficient to determine the role of this variant in disease. Therefore, it has been classified as a Variant of Uncertain Significance.

GeneDx
Classification: Uncertain significance. Last evaluated: 2023-03-17. Review status: criteria provided, single submitter. Criteria: GeneDx Variant Classification Process June 2021. Collection method: clinical testing. Allele origin: germline. Affected: yes.
Comment: Not observed at significant frequency in large population cohorts (gnomAD); In silico analysis supports that this missense variant has a deleterious effect on protein structure/function; Has not been previously published as pathogenic or benign to our knowledge; This variant is associated with the following publications: (PMID: 26100331, 25609763, 25512093)